The following is an entry in ClinVar:

ClinVar aggregate classification (germline): Uncertain significance (1 of 4 stars; one submission).

Submission:

Labcorp Genetics (formerly Invitae), Labcorp
Classification: Uncertain significance. Last evaluated: 2022-11-28. Review status: criteria provided, single submitter. Criteria: Invitae Variant Classification Sherloc (09022015). Collection method: clinical testing. Allele origin: germline.
Comment: This variant, c.4821_4835del, results in the deletion of 5 amino acid(s) of the TOP2B protein (p.Ser1608_Glu1612del), but otherwise preserves the integrity of the reading frame. This variant is not present in population databases (gnomAD no frequency). This variant has not been reported in the literature in individuals affected with TOP2B-related conditions. Experimental studies and prediction algorithms are not available or were not evaluated, and the functional significance of this variant is currently unknown. In summary, the available evidence is currently insufficient to determine the role of this variant in disease. Therefore, it has been classified as a Variant of Uncertain Significance.

NM_001330700.2(TOP2B):c.4836_4850del (p.Ser1613_Glu1617del)

Gene: TOP2B (DNA topoisomerase II beta; minus strand). Cytogenetic location: 3p24.2.
Variant type: Deletion.
Coding change: c.4836_4850del on transcript NM_001330700.2 (MANE Select); coding-DNA positions 4836 to 4850, 15 bases deleted (GTCTGATGAAGAAGA).
Protein change: p.Ser1613_Glu1617del.
Molecular consequence: inframe deletion.
Genome position (GRCh38, 1-based): chr3:25,598,338-25,598,352, TCTTCTTCATCAGAC deleted on the plus strand (GTCTGATGAAGAAGA on the coding strand, the reverse complement: TOP2B is on the minus strand); deleting any 15 consecutive bases within chr3:25,598,338-25,598,355 gives the same sequence; the c. name uses the placement nearest the transcript's 3' end. VCF-style (leftmost placement, unchanged base first): chr3-25598337-TTCTTCTTCATCAGAC-T. GRCh37 (hg19) VCF-style: chr3-25639828-TTCTTCTTCATCAGAC-T.
Other names: c.4821_4835del, p.Ser1608_Glu1612del (NM_001068.3).
Identifiers: ClinVar variation 2817117 (VCV002817117.3), dbSNP rs2529843372, ClinGen allele CA2739278704.